The following is an entry in ClinVar:

NM_024422.6(DSC2):c.907G>A (p.Val303Met)

Gene: DSC2 (desmocollin 2; minus strand). Cytogenetic location: 18q12.1.
Variant type: single nucleotide variant.
Coding change: c.907G>A on transcript NM_024422.6 (MANE Select); coding-DNA position 907, G replaced by A.
Protein change: p.Val303Met; replaces valine 303 with methionine.
Molecular consequence: missense variant.
Genome position (GRCh38, 1-based): chr18:31,086,611, C>T on the plus strand (G>A on the coding strand, the complement: DSC2 is on the minus strand). VCF-style: chr18-31086611-C-T. GRCh37 (hg19) VCF-style: chr18-28666574-C-T.
Other names: p.V303M:GTG>ATG; c.907G>A, p.Val303Met (NM_004949.5); short protein forms V303M.
Identifiers: ClinVar variation 46202 (VCV000046202.76), dbSNP rs145560678, ClinGen allele CA022973.
Genomic context (GRCh38, chr18:31,086,611, plus strand): 5'-CAGGTTTTATTAATGTTTATGTTACCTCTCTGTCTAGCTGAGATGATGTTGTGGTGATCA[C>T]GCCTGTAGTTGGATGCATAGAAAATAGGGTGGGTGATGGTGGCACCTGCCCAATGATGGA-3'
Protein context (NP_077740.1, residues 293-313): TLFSMHPTTG[Val303Met]ITTTSSQLDR

ClinVar aggregate classification (germline): Conflicting classifications of pathogenicity. Review status: criteria provided, conflicting classifications (1 of 4 stars). 17 submissions from 17 submitters: Uncertain significance (1); Benign (4); Likely benign (9). 3 of the submissions do not count toward it. Last evaluated 2026-02-03.

Conditions:
Cardiovascular phenotype. Identifiers: MedGen CN230736.
Cardiomyopathy (CMYO). Also called: Cardiomyopathies. Identifiers: Orphanet 167848, MedGen C0878544, MONDO:0004994, HP:0001638. Inheritance: Various modes of inheritance.
Arrhythmogenic right ventricular dysplasia 11. Also called: Arrhythmogenic Right Ventricular Dysplasia/Cardiomyopathy11; Arrhythmogenic right ventricular dysplasia 11 with mild palmoplantar keratoderma and woolly hair; ARRHYTHMOGENIC RIGHT VENTRICULAR DYSPLASIA, FAMILIAL, 11. Identifiers: MedGen C1864850, MONDO:0012506, OMIM 610476.

Allele frequency attached by ClinVar (database versions not stated): ESP Exome Variant Server 0.00015; gnomAD 0.00021 and 0.00049; TOPMed 0.00028; gnomAD exomes 0.00064 and 0.00108; ExAC 0.00119; 1000 Genomes Project 30x 0.00297; 1000 Genomes Project 0.00300.

Submissions (17):

Labcorp Genetics (formerly Invitae), Labcorp
Classification: Benign for Arrhythmogenic right ventricular dysplasia 11. Last evaluated: 2026-02-03. Review status: criteria provided, single submitter. Criteria: Invitae Variant Classification Sherloc (09022015). Collection method: clinical testing. Allele origin: germline.

CeGaT Center for Human Genetics Tuebingen
Classification: Likely benign. Last evaluated: 2025-08-01. Review status: criteria provided, single submitter. Criteria: CeGaT Center For Human Genetics Tuebingen Variant Classification Criteria Version 2. Collection method: clinical testing. Allele origin: germline. Affected: yes. Observed: 5 variant alleles.
Comment: DSC2: BP4

ARUP Laboratories, Molecular Genetics and Genomics, ARUP Laboratories
Classification: Likely benign. Last evaluated: 2025-06-05. Review status: criteria provided, single submitter. Criteria: ARUP Molecular Germline Variant Investigation Process 2024. Collection method: clinical testing. Allele origin: germline.

Molecular Diagnostic Laboratory for Inherited Cardiovascular Disease, Montreal Heart Institute
Classification: Likely benign. Last evaluated: 2025-04-09. Review status: criteria provided, single submitter. Criteria: ACMG Guidelines, 2015. Collection method: clinical testing. Allele origin: germline. Affected: no.

Blueprint Genetics
Classification: Likely benign. Last evaluated: 2024-11-27. Review status: criteria provided, single submitter. Criteria: ACMG Guidelines, 2015. Collection method: clinical testing. Allele origin: germline.

Women's Health and Genetics/Laboratory Corporation of America, LabCorp
Classification: Likely benign. Last evaluated: 2020-11-02. Review status: criteria provided, single submitter. Criteria: LabCorp Variant Classification Summary - May 2015. Collection method: clinical testing. Allele origin: germline.
Comment: Variant summary: DSC2 c.907G>A (p.Val303Met) results in a conservative amino acid change located in the Cadherin-like domain of the encoded protein sequence. Three of five in-silico tools predict a benign effect of the variant on protein function. The variant allele was found at a frequency of 0.0011 in 252686 control chromosomes, predominantly at a frequency of 0.0068 within the South Asian subpopulation in the gnomAD database, including 1 homozygote. The observed variant frequency within South Asian control individuals in the gnomAD database is approximately 680-fold the estimated maximal expected allele frequency for a pathogenic variant in DSC2 causing Arrhythmia phenotype (1e-05), strongly suggesting that the variant is a benign polymorphism found primarily in populations of South Asian origin. c.907G>A has been reported in the literature in at least one individual affected with cardiomyopathy (e.g. Garcia-Pavia_2011), but also in healthy controls (e.g. Kapplinger_2011). These reports do not provide unequivocal conclusions about association of the variant with Arrhythmia. To our knowledge, no experimental evidence demonstrating an impact on protein function has been reported. Nine other clinical diagnostic laboratories have submitted clinical-significance assessments for this variant to ClinVar after 2014 without evidence for independent evaluation. They have cited the variant as benign/likely benign (n=8) and uncertain significance (n=1). Based on the evidence outlined above, the variant was classified as likely benign.

Dubai Health Genomic Medicine Center, Dubai Health
Classification: Benign for Arrhythmogenic right ventricular dysplasia 11. Last evaluated: 2020-01-08. Review status: criteria provided, single submitter. Criteria: ACMG Guidelines, 2015. Collection method: clinical testing. Allele origin: germline. Affected: yes.

Ambry Genetics
Classification: Likely benign for Cardiovascular phenotype. Last evaluated: 2018-09-12. Review status: criteria provided, single submitter. Criteria: Ambry Variant Classification Scheme 2023. Collection method: clinical testing. Allele origin: germline.

CHEO Genetics Diagnostic Laboratory, Children's Hospital of Eastern Ontario
Classification: Benign for Cardiomyopathy. Last evaluated: 2018-03-20. Review status: criteria provided, single submitter. Criteria: ACMG Guidelines, 2015. Collection method: clinical testing. Allele origin: germline.

Color Diagnostics, LLC DBA Color Health
Classification: Likely benign for Cardiomyopathy. Last evaluated: 2018-03-09. Review status: criteria provided, single submitter. Criteria: ACMG Guidelines, 2015. Collection method: clinical testing. Allele origin: germline.

Genome Diagnostics Laboratory, University Medical Center Utrecht
Classification: Likely benign for Arrhythmogenic right ventricular dysplasia 11. Last evaluated: 2017-07-31. Review status: criteria provided, single submitter. Criteria: ACGS Guidelines, 2013. Collection method: clinical testing. Allele origin: germline. Affected: yes. Study: VKGL Data-share Consensus.

Illumina Laboratory Services, Illumina
Classification: Uncertain significance for Arrhythmogenic right ventricular dysplasia 11. Last evaluated: 2017-04-27. Review status: criteria provided, single submitter. Criteria: ICSL Variant Classification Criteria 13 December 2019. Collection method: clinical testing. Allele origin: germline.
Comment: This variant was observed as part of a predisposition screen in an ostensibly healthy population. A literature search was performed for the gene, cDNA change, and amino acid change (where applicable). Publications were found based on this search. However, the evidence from the literature, in combination with allele frequency data from public databases where available, was not sufficient to rule this variant in or out of causing disease. Therefore, this variant is classified as a variant of unknown significance.

GeneDx
Classification: Benign. Last evaluated: 2017-02-03. Review status: criteria provided, single submitter. Criteria: GeneDx Variant Classification (06012015). Collection method: clinical testing. Allele origin: germline. Affected: yes.
Comment: This variant is considered likely benign or benign based on one or more of the following criteria: it is a conservative change, it occurs at a poorly conserved position in the protein, it is predicted to be benign by multiple in silico algorithms, and/or has population frequency not consistent with disease.

Laboratory for Molecular Medicine, Mass General Brigham Personalized Medicine
Classification: Likely benign. Last evaluated: 2016-11-15. Review status: criteria provided, single submitter. Criteria: LMM Criteria. Collection method: clinical testing. Allele origin: germline. Observed: 4 variant alleles.
Comment: p.Val303Met in exon 7 of DSC2: This variant has been identified in 0.7% (120/165 12) of South Asian chromosomes, including 1 homozygote, by the Exome Aggregation Consortium (ExAC; dbSNP rs145560678). This vari ant was previously reported in 1 individual with DCM (Garcia-Pavia 2011). Howeve r, given the high frequency of this variant in the general population, it is not expected to have clinical significance.

Clinical Genetics DNA and cytogenetics Diagnostics Lab, Erasmus MC, Erasmus Medical Center
Classification: Likely benign. Review status: no assertion criteria provided. Collection method: clinical testing. Allele origin: germline. Affected: yes. Study: VKGL Data-share Consensus. Not counted in ClinVar's aggregate classification.

Clinical Genetics, Academic Medical Center
Classification: Benign. Review status: no assertion criteria provided. Collection method: clinical testing. Allele origin: germline. Affected: yes. Study: VKGL Data-share Consensus. Not counted in ClinVar's aggregate classification.

Joint Genome Diagnostic Labs from Nijmegen and Maastricht, Radboudumc and MUMC+
Classification: Likely benign. Review status: no assertion criteria provided. Collection method: clinical testing. Allele origin: germline. Affected: yes. Study: VKGL Data-share Consensus. Not counted in ClinVar's aggregate classification.

Literature cited by the submitters: PubMed 21636032 (cited by 4 submitters); PubMed 23299917 (cited by 3 submitters); PubMed 21859740 (cited by 4 submitters); PubMed 24503780 (cited by Women's Health and Genetics/Laboratory Corporation of America, LabCorp); PubMed 23292937 (cited by Women's Health and Genetics/Laboratory Corporation of America, LabCorp); PubMed 22722193 (cited by Women's Health and Genetics/Laboratory Corporation of America, LabCorp); PubMed 23826350 (cited by Women's Health and Genetics/Laboratory Corporation of America, LabCorp); PubMed 27884173 (cited by Women's Health and Genetics/Laboratory Corporation of America, LabCorp); PubMed 26780541 (cited by Women's Health and Genetics/Laboratory Corporation of America, LabCorp and Ambry Genetics); PubMed 29802319 (cited by Women's Health and Genetics/Laboratory Corporation of America, LabCorp); PubMed 28416588 (cited by Women's Health and Genetics/Laboratory Corporation of America, LabCorp); PubMed 29641836 (cited by Women's Health and Genetics/Laboratory Corporation of America, LabCorp); PubMed 25351510 (cited by Ambry Genetics); PubMed 25819062 (cited by Ambry Genetics).